The following is an entry in ClinVar:

NM_005845.5(ABCC4):c.3255C>A (p.Ile1085=)

Gene: ABCC4 (ATP binding cassette subfamily C member 4 (PEL blood group); minus strand). Cytogenetic location: 13q32.1.
Variant type: single nucleotide variant.
Coding change: c.3255C>A on transcript NM_005845.5 (MANE Select); coding-DNA position 3255, C replaced by A.
Protein change: p.Ile1085=; no amino-acid change (isoleucine 1085 retained).
Molecular consequence: synonymous variant.
Genome position (GRCh38, 1-based): chr13:95,062,815, G>T on the plus strand (C>A on the coding strand, the complement: ABCC4 is on the minus strand). VCF-style: chr13-95062815-G-T. GRCh37 (hg19) VCF-style: chr13-95715069-G-T.
Other names: p.Ile1085=; c.3114C>A, p.Ile1038= (NM_001301829.2).
Identifiers: ClinVar variation 726207 (VCV000726207.4), dbSNP rs11568652, ClinGen allele CA7018953.

ClinVar aggregate classification (germline): Benign/Likely benign. Review status: criteria provided, multiple submitters, no conflicts (2 of 4 stars). 2 submissions from 2 submitters: Benign (1); Likely benign (1). Last evaluated 2025-09-04.

Allele frequency attached by ClinVar (database versions not stated): ExAC 0.00047; 1000 Genomes Project 30x 0.00094; gnomAD exomes 0.00019 and 0.00044; 1000 Genomes Project 0.00100; gnomAD 0.00172 and 0.00165; ESP Exome Variant Server 0.00192; TOPMed 0.00178.
gnomAD v4.1: 551 of 1,613,612 alleles (0.034%); highest among the groups gnomAD compares: African/African-American, 0.61%; 4 homozygotes.

Submissions (2):

Mayo Clinic Laboratories, Mayo Clinic
Classification: Likely benign. Last evaluated: 2025-09-04. Review status: criteria provided, single submitter. Criteria: ACMG Guidelines, 2015. Collection method: clinical testing. Allele origin: germline. Observed: 1 variant allele.
Comment: BP4, BP7

Labcorp Genetics (formerly Invitae), Labcorp
Classification: Benign. Last evaluated: 2018-07-13. Review status: criteria provided, single submitter. Criteria: Invitae Variant Classification Sherloc (09022015). Collection method: clinical testing. Allele origin: germline.